The following is an entry in ClinVar:

NM_000382.3(ALDH3A2):c.126del (p.Thr43fs)

Gene: ALDH3A2 (aldehyde dehydrogenase 3 family member A2; plus strand). Cytogenetic location: 17p11.2.
Variant type: Deletion.
Coding change: c.126del on transcript NM_000382.3 (MANE Select); coding-DNA position 126, one base deleted (G; older notation c.126delG).
Protein change: p.Thr43fs; shifts the reading frame from threonine 43.
Molecular consequence: frameshift variant. On other transcripts: 5 prime UTR variant (1).
Genome position (GRCh38, 1-based): chr17:19,649,097, G deleted. VCF-style (leftmost placement, unchanged base first): chr17-19649096-TG-T. GRCh37 (hg19) VCF-style: chr17-19552409-TG-T.
Other names: c.126del, p.Thr43fs (NM_001031806.2, NM_001369136.1, NM_001369137.2 and 3 more transcripts); c.-563del (NM_001369148.2); c.126delG (NM_001031806.2); short protein forms T43fs.
Identifiers: ClinVar variation 1162200 (VCV001162200.2), dbSNP rs2544349490, ClinGen allele CA501180.

ClinVar aggregate classification (germline): Likely pathogenic. Review status: criteria provided, multiple submitters, no conflicts (2 of 4 stars). 2 submissions from 2 submitters: Likely pathogenic (2). Last evaluated 2023-06-22.

Conditions:
Sjögren-Larsson syndrome (SLS). Also called: FALDH DEFICIENCY; FATTY ALCOHOL:NAD+ OXIDOREDUCTASE DEFICIENCY; FATTY ALDEHYDE DEHYDROGENASE DEFICIENCY; ICHTHYOSIS, SPASTIC NEUROLOGIC DISORDER, AND OLIGOPHRENIA. Identifiers: Orphanet 816, MedGen C0037231, MONDO:0010031, OMIM 270200.

Submissions (2):

Neuberg Centre For Genomic Medicine, NCGM
Classification: Likely pathogenic for Sjögren-Larsson syndrome. Last evaluated: 2023-06-22. Review status: criteria provided, single submitter. Criteria: ACMG Guidelines, 2015. Collection method: clinical testing. Allele origin: germline. Inheritance: Autosomal recessive inheritance. Affected: yes.
Comment: The frameshift variant c.126del (p.Thr43ArgfsTer64) in the ALDH3A2 gene has been reported previously in heterozygous state in an individual affected with Sjögren-Larsson syndrome (Nagappa et al., 2017). This variant is absent in the gnomAD Exomes. It is submitted to ClinVar as Likely Pathogenic. However study on multiple affected individuals and functional studies on the pathogenicity of the variant is unavailable. This variant is predicted to cause loss of normal protein function through protein truncation. Loss of function variants have been previously reported to be disease causing. For these reasons, this variant has been classified as Likely Pathogenic.

NxGen MDx
Classification: Likely pathogenic for Sjögren-Larsson syndrome. Last evaluated: 2021-04-26. Review status: criteria provided, single submitter. Criteria: ACMG Guidelines, 2015. Collection method: clinical testing. Allele origin: unknown.
Comment: This null variant (c.126del) on exon 1 of ALDH3A2 results in a frameshift (PVS1). This variant is not found in gnomAD population databases (PM2).This variant has been reported in trans with c.529C>T by family study for a patient with SjÃ¶gren-Larsson syndrome by Nagappa et al. (PMID 28025403). We interpret c.126delG to be likely pathogenic.

Literature cited by the submitters: PubMed 28025403 (cited by NxGen MDx).